The following is an entry in ClinVar:

ClinVar aggregate classification (germline): Pathogenic. Review status: criteria provided, multiple submitters, no conflicts (2 of 4 stars). 2 submissions from 2 submitters: Pathogenic (2). Last evaluated 2026-06-09.

Conditions:
Pheochromocytoma. Also called: MAX-Related Hereditary Paraganglioma-Pheochromocytoma Syndrome. Identifiers: Orphanet 29072, MedGen C0031511, MONDO:0008233, OMIM 171300, HP:0002666.
Hereditary pheochromocytoma and paraganglioma. Also called: Hereditary Paraganglioma-Pheochromocytoma Syndromes; Hereditary paragangliomas and pheochromocytomas; Hereditary pheochromocytoma-paraganglioma. Identifiers: Orphanet 29072, MedGen C4274332, MONDO:0017366.

Submissions (2):

Myriad Genetics, Inc.
Classification: Pathogenic for Hereditary pheochromocytoma and paraganglioma. Last evaluated: 2026-06-09. Review status: criteria provided, single submitter. Criteria: Myriad Autosomal Dominant, Autosomal Recessive and X-Linked Classification Criteria (2023). Collection method: clinical testing. Allele origin: unknown.
Comment: This variant is considered pathogenic. This variant occurs within a consensus splice junction and is predicted to result in abnormal mRNA splicing of either an out-of-frame exon or an in-frame exon necessary for protein stability and/or normal function. This variant has been reported in multiple individuals with clinical features of gene-specific disease [PMID: 28384794, 29282712, 25389632].

Institute of Human Genetics, University of Leipzig Medical Center
Classification: Pathogenic for Pheochromocytoma. Last evaluated: 2023-07-10. Review status: criteria provided, single submitter. Criteria: ACMG Guidelines, 2015. Collection method: clinical testing. Allele origin: unknown. Inheritance: Autosomal dominant inheritance. Affected: yes.
Comment: Criteria applied: PVS1,PS4_MOD,PM2_SUP

Literature cited by the submitters: PubMed 28384794 (cited by Myriad Genetics, Inc.); PubMed 29282712 (cited by Myriad Genetics, Inc.); PubMed 25389632 (cited by Myriad Genetics, Inc.).

NM_017849.4(TMEM127):c.410-1G>C

Gene: TMEM127 (transmembrane protein 127; minus strand). Cytogenetic location: 2q11.2.
Variant type: single nucleotide variant.
Coding change: c.410-1G>C on transcript NM_017849.4 (MANE Select); the canonical splice acceptor site of the intron before coding-DNA position 410, G replaced by C.
Molecular consequence: splice acceptor variant.
Genome position (GRCh38, 1-based): chr2:96,254,116, C>G on the plus strand (G>C on the coding strand, the complement: TMEM127 is on the minus strand). VCF-style: chr2-96254116-C-G. GRCh37 (hg19) VCF-style: chr2-96919854-C-G.
Other names: c.158-1G>C (NM_001407283.1, NM_001407282.1); c.410-1G>C (NM_001193304.3).
Identifiers: ClinVar variation 2576554 (VCV002576554.3), dbSNP rs2104285400, ClinGen allele CA347653200.
Genomic context (GRCh38, chr2:96,254,116, plus strand): 5'-GGGCCAAGATGAGTTCAGAAGCCCAATAAGAAAAGCCAATGACGGTGGCACACTGCAGAA[C>G]TAGGAGACAGAGGGACAGCACAGAAGGGGAATTAGTGAGCACTCCACAGCTAGGATGCTT-3'